The following is an entry in ClinVar:

NM_000601.6(HGF):c.1814C>T (p.Thr605Ile)

Gene: HGF (hepatocyte growth factor; minus strand). Cytogenetic location: 7q21.11.
Variant type: single nucleotide variant.
Coding change: c.1814C>T on transcript NM_000601.6 (MANE Select); coding-DNA position 1814, C replaced by T.
Protein change: p.Thr605Ile; replaces threonine 605 with isoleucine.
Molecular consequence: missense variant.
Genome position (GRCh38, 1-based): chr7:81,705,697, G>A on the plus strand (C>T on the coding strand, the complement: HGF is on the minus strand). VCF-style: chr7-81705697-G-A. GRCh37 (hg19) VCF-style: chr7-81335013-G-A.
Other names: c.1799C>T, p.Thr600Ile (NM_001010932.3); short protein forms T605I, T600I.
Identifiers: ClinVar variation 194608 (VCV000194608.10), dbSNP rs147075806, ClinGen allele CA240675.
Genomic context (GRCh38, chr7:81,705,697, plus strand): 5'-ACTAGCTTACATCCAGTGTAGCCCCAGCCATAAACACTGCAACTGGTCTTTTCAGGAATT[G>A]TGCATCCATAATTAGGTAAATCAATCGTACTAACAAAATCATCCAGGACAGCAGGCCTGA-3'
Protein context (NP_000592.3, residues 595-615): STIDLPNYGC[Thr605Ile]IPEKTSCSVY

ClinVar aggregate classification (germline): Conflicting classifications of pathogenicity. Review status: criteria provided, conflicting classifications (1 of 4 stars). 3 submissions from 3 submitters: Uncertain significance (2); Likely benign (1). Last evaluated 2024-10-28.

Allele frequency attached by ClinVar (database versions not stated): ExAC 0.00007; gnomAD 0.00007; ESP Exome Variant Server 0.00008; TOPMed 0.00011.
gnomAD v4.1: 274 of 1,612,482 alleles (0.017%); highest among the groups gnomAD compares: Non-Finnish European, 0.022%; 1 homozygote.

Submissions (3):

Labcorp Genetics (formerly Invitae), Labcorp
Classification: Uncertain significance. Last evaluated: 2024-10-28. Review status: criteria provided, single submitter. Criteria: Invitae Variant Classification Sherloc (09022015). Collection method: clinical testing. Allele origin: germline.
Comment: This sequence change replaces threonine, which is neutral and polar, with isoleucine, which is neutral and non-polar, at codon 605 of the HGF protein (p.Thr605Ile). This variant is present in population databases (rs147075806, gnomAD 0.01%). This variant has not been reported in the literature in individuals affected with HGF-related conditions. ClinVar contains an entry for this variant (Variation ID: 194608). An algorithm developed to predict the effect of missense changes on protein structure and function outputs the following: PolyPhen-2: "Benign". The isoleucine amino acid residue is found in multiple mammalian species, which suggests that this missense change does not adversely affect protein function. In summary, the available evidence is currently insufficient to determine the role of this variant in disease. Therefore, it has been classified as a Variant of Uncertain Significance.

Laboratory for Molecular Medicine, Mass General Brigham Personalized Medicine
Classification: Likely benign. Last evaluated: 2015-02-26. Review status: criteria provided, single submitter. Criteria: LMM Criteria. Collection method: clinical testing. Allele origin: germline. Observed: 1 variant allele.
Comment: p.Thr605Ile in exon 16 of HGF: This variant is not expected to have clinical sig nificance due to a lack of conservation across species, including mammals. Of no te, 3 mammals (rabbit, David's myotis and big brown bat) have an isoleucine (Ile ) at this position despite high nearby amino acid conservation. In addition, it has also been identified in 6/66144 of European chromosomes by the Exome Aggrega tion Consortium (ExAC; dbSNP rs147075806).

Eurofins Ntd Llc (ga)
Classification: Uncertain significance. Last evaluated: 2015-02-11. Review status: criteria provided, single submitter. Criteria: EGL Classification Definitions 2015. Collection method: clinical testing. Allele origin: germline. Observed: 2 variant alleles, 2 heterozygotes.